The following is an entry in ClinVar:

ClinVar aggregate classification (germline): Pathogenic (1 of 4 stars; one submission).

Conditions:
Mucopolysaccharidosis, MPS-IV-A (MPS4A). Also called: Morquio syndrome A, mild; MORQUIO SYNDROME A; GALACTOSAMINE-6-SULFATASE DEFICIENCY; GALNS DEFICIENCY; MORQUIO A DISEASE; Mucopolysaccharidosis type IV A. Identifiers: Orphanet 309297, Orphanet 582, MedGen C0086651, MONDO:0009659, OMIM 253000.

Submission:

Labcorp Genetics (formerly Invitae), Labcorp
Classification: Pathogenic for Mucopolysaccharidosis, MPS-IV-A. Last evaluated: 2024-01-10. Review status: criteria provided, single submitter. Criteria: Invitae Variant Classification Sherloc (09022015). Collection method: clinical testing. Allele origin: unknown.
Comment: This variant is a gross deletion of the genomic region encompassing exon(s) 1-8 of the GALNS gene, which includes the initiator codon. This deletion extends beyond the assayed region for this gene and therefore may encompass additional genes. It is expected to result in an absent or disrupted protein product. Loss-of-function variants in GALNS are known to be pathogenic (PMID: 12442278). This variant has not been reported in the literature in individuals affected with GALNS-related conditions. For these reasons, this variant has been classified as Pathogenic.

Literature cited by the submitters: PubMed 12442278.

NC_000016.9:g.(?_88901601)_(88923285_?)del

Gene: GALNS (galactosamine (N-acetyl)-6-sulfatase; minus strand). Cytogenetic location: 16q24.3.
Variant type: Deletion.
Identifiers: ClinVar variation 3243316 (VCV003243316.1).